The following is an entry in ClinVar:

NM_001374385.1(ATP8B1):c.2398A>G (p.Ile800Val)

Genes: ATP8B1 (ATPase phospholipid transporting 8B1; minus strand), ATP8B1-AS1 (ATP8B1 antisense RNA 1; plus strand). Cytogenetic location: 18q21.31.
Variant type: single nucleotide variant.
Coding change: c.2398A>G on transcript NM_001374385.1 (MANE Select); coding-DNA position 2398, A replaced by G.
Protein change: p.Ile800Val; replaces isoleucine 800 with valine.
Molecular consequence: missense variant.
Genome position (GRCh38, 1-based): chr18:57,662,503, T>C on the plus strand (A>G on the coding strand, the complement: ATP8B1 is on the minus strand). VCF-style: chr18-57662503-T-C. GRCh37 (hg19) VCF-style: chr18-55329735-T-C.
Other names: c.2248A>G, p.Ile750Val (NM_001374386.1); c.2398A>G, p.Ile800Val (NM_005603.6); short protein forms I750V, I800V.
Identifiers: ClinVar variation 3034331 (VCV003034331.2), dbSNP rs1206262864, ClinGen allele CA402553309.

ClinVar aggregate classification (germline): Uncertain significance (0 of 4 stars; one submission).

Conditions:
ATP8B1-related disorder. Also called: ATP8B1-related condition; ATP8B1-related disorders.

Allele frequency attached by ClinVar (database versions not stated): gnomAD exomes 0.00001.
gnomAD v4.1: 4 of 1,614,134 alleles (0.00025%); highest among the groups gnomAD compares: Admixed American, 0.0067%; no homozygotes.

Submission:

PreventionGenetics, part of Exact Sciences
Classification: Uncertain significance for ATP8B1-related condition. Last evaluated: 2024-01-08. Review status: no assertion criteria provided. Collection method: clinical testing. Allele origin: germline.
Comment: The ATP8B1 c.2398A>G variant is predicted to result in the amino acid substitution p.Ile800Val. To our knowledge, this variant has not been reported in the literature. This variant is reported in 0.012% of alleles in individuals of Latino descent in gnomAD. At this time, the clinical significance of this variant is uncertain due to the absence of conclusive functional and genetic evidence.